The following is an entry in ClinVar:

ClinVar aggregate classification (germline): Uncertain significance (1 of 4 stars; one submission).

Conditions:
Short-rib thoracic dysplasia 14 with polydactyly (SRTD14). Identifiers: Orphanet 397715, MedGen C4225286, MONDO:0014688, OMIM 616546.
Joubert syndrome 23 (JBTS23). Identifiers: Orphanet 475, MedGen C4084822, MONDO:0014664, OMIM 616490.

Allele frequency attached by ClinVar (database versions not stated): gnomAD exomes below 0.00001; gnomAD 0.00002; ExAC 0.00003; ESP Exome Variant Server 0.00008.
gnomAD v4.1: 6 of 1,613,388 alleles (0.00037%); highest among the groups gnomAD compares: African/African-American, 0.008%; no homozygotes.

Submission:

Labcorp Genetics (formerly Invitae), Labcorp
Classification: Uncertain significance for Joubert syndrome 23; Short-rib thoracic dysplasia 14 with polydactyly. Last evaluated: 2024-12-02. Review status: criteria provided, single submitter. Criteria: Invitae Variant Classification Sherloc (09022015). Collection method: clinical testing. Allele origin: germline.
Comment: This sequence change replaces leucine, which is neutral and non-polar, with valine, which is neutral and non-polar, at codon 1630 of the KIAA0586 protein (p.Leu1630Val). This variant is present in population databases (rs373503925, gnomAD 0.03%). This variant has not been reported in the literature in individuals affected with KIAA0586-related conditions. ClinVar contains an entry for this variant (Variation ID: 2156506). An algorithm developed to predict the effect of missense changes on protein structure and function (PolyPhen-2) suggests that this variant is likely to be disruptive. In summary, the available evidence is currently insufficient to determine the role of this variant in disease. Therefore, it has been classified as a Variant of Uncertain Significance.

NM_001329943.3(KIAA0586):c.4644C>G (p.Phe1548Leu)

Gene: KIAA0586 (KIAA0586; plus strand). Cytogenetic location: 14q23.1.
Variant type: single nucleotide variant.
Coding change: c.4644C>G on transcript NM_001329943.3 (MANE Select); coding-DNA position 4644, C replaced by G.
Protein change: p.Phe1548Leu; replaces phenylalanine 1548 with leucine.
Molecular consequence: missense variant.
Genome position (GRCh38, 1-based): chr14:58,547,929, C>G. VCF-style: chr14-58547929-C-G. GRCh37 (hg19) VCF-style: chr14-59014647-C-G.
Other names: c.4888C>G, p.Leu1630Val (NM_001244189.2); c.4599C>G, p.Phe1533Leu (NM_001244190.2); c.4389C>G, p.Phe1463Leu (NM_001244191.2, NM_001364701.2); c.4512C>G, p.Phe1504Leu (NM_001244192.2, NM_001329947.2); c.4729C>G, p.Leu1577Val (NM_001329944.2); c.4323C>G, p.Phe1441Leu (NM_001329945.2); c.4578C>G, p.Phe1526Leu (NM_001329946.2); c.4416C>G, p.Phe1472Leu (NM_014749.5); short protein forms F1472L, F1504L, L1630V, F1533L, F1441L, F1463L, F1548L, L1577V.
Identifiers: ClinVar variation 2156506 (VCV002156506.4), dbSNP rs373503925, ClinGen allele CA7206463.